The following is an entry in ClinVar:

ClinVar aggregate classification (germline): Uncertain significance. Review status: criteria provided, multiple submitters, no conflicts (2 of 4 stars). 2 submissions from 2 submitters: Uncertain significance (2). Last evaluated 2024-12-15.

Conditions:
Ehlers-Danlos syndrome, classic type, 1 (EDSCL1). Also called: Ehlers-Danlos Syndrome, Classic Type, COL5A1-Related; EHLERS-DANLOS SYNDROME, GRAVIS TYPE; EHLERS-DANLOS SYNDROME, SEVERE CLASSIC TYPE; Ehlers-Danlos syndrome, type 1; EDS I. Identifiers: MedGen C0268335, MONDO:0019567, OMIM 130000.

Submissions (2):

Labcorp Genetics (formerly Invitae), Labcorp
Classification: Uncertain significance for Ehlers-Danlos syndrome, classic type, 1. Last evaluated: 2024-12-15. Review status: criteria provided, single submitter. Criteria: Invitae Variant Classification Sherloc (09022015). Collection method: clinical testing. Allele origin: germline.
Comment: This sequence change falls in intron 56 of the COL5A1 gene. It does not directly change the encoded amino acid sequence of the COL5A1 protein. It affects a nucleotide within the consensus splice site. This variant is not present in population databases (gnomAD no frequency). This variant has not been reported in the literature in individuals affected with COL5A1-related conditions. ClinVar contains an entry for this variant (Variation ID: 212978). Variants that disrupt the consensus splice site are a relatively common cause of aberrant splicing (PMID: 17576681, 9536098). Algorithms developed to predict the effect of sequence changes on RNA splicing suggest that this variant may disrupt the consensus splice site. In summary, the available evidence is currently insufficient to determine the role of this variant in disease. Therefore, it has been classified as a Variant of Uncertain Significance.

GeneDx
Classification: Uncertain significance. Last evaluated: 2016-12-23. Review status: criteria provided, single submitter. Criteria: GeneDx Variant Classification (06012015). Collection method: clinical testing. Allele origin: germline. Affected: yes.
Comment: The c.4392+4 A>C variant in the COL5A1 gene has not been reported as a disease-causing mutation or a a benign polymorphism to our knowledge. Splice algorithms predict this variant may affect the splice donor site in intron 56 and may cause abnormal gene splicing. The variant is may lead to an abnormal message that is subject to nonsense-mediated mRNA decay or to an abnormal protein product if the message is used for protein translation. Other splice site mutations in the COL5A1 gene have been reported in association with Ehlers-Danlos syndrome. With the clinical and molecular information available at this time, we cannot definitively determine if c.4392+4 A>C is a disease-causing mutation or a rare benign variant. This variant was found in COL5A1,TAAD

Literature cited by the submitters: PubMed 17576681 (cited by Labcorp Genetics (formerly Invitae), Labcorp); PubMed 9536098 (cited by Labcorp Genetics (formerly Invitae), Labcorp).

NM_000093.5(COL5A1):c.4392+4A>C

Gene: COL5A1 (collagen type V alpha 1 chain; plus strand). Cytogenetic location: 9q34.3.
Variant type: single nucleotide variant.
Coding change: c.4392+4A>C on transcript NM_000093.5 (MANE Select); 4 bases into the intron after coding-DNA position 4392, A replaced by C.
Molecular consequence: intron variant.
Genome position (GRCh38, 1-based): chr9:134,818,905, A>C. VCF-style: chr9-134818905-A-C. GRCh37 (hg19) VCF-style: chr9-137710751-A-C.
Other names: c.4392+4A>C (NM_001278074.1).
Identifiers: ClinVar variation 212978 (VCV000212978.4), dbSNP rs863223456, ClinGen allele CA324283.